The following is an entry in ClinVar:

ClinVar aggregate classification (germline): Uncertain significance. Review status: criteria provided, multiple submitters, no conflicts (2 of 4 stars). 3 submissions from 3 submitters: Uncertain significance (2). 1 of the submissions does not count toward it. Last evaluated 2024-11-05.

Conditions:
NPHP3-related disorder. Also called: NPHP3-related condition; NPHP3-related disorders. Identifiers: MedGen CN379163.
NPHP3-related Meckel-like syndrome. Also called: GOLDSTON SYNDROME; Meckel syndrome type 7. Identifiers: Orphanet 3032, MedGen C2673885, MONDO:0009966, OMIM 267010.
Renal-hepatic-pancreatic dysplasia 1 (RHPD1). Identifiers: MedGen C3715199, MONDO:0008833, OMIM 208540.
Nephronophthisis 3 (NPHP3). Also called: Adolescent nephronophthisis. Identifiers: Orphanet 655, MedGen C1858392, MONDO:0011456, OMIM 604387.
Nephronophthisis. Also called: Juvenile Nephronophthisis. Identifiers: Orphanet 655, MedGen C0687120, MONDO:0019005, HP:0000090.

Allele frequency attached by ClinVar (database versions not stated): gnomAD exomes below 0.00001; gnomAD 0.00003; TOPMed 0.00003.

Submissions (3):

Labcorp Genetics (formerly Invitae), Labcorp
Classification: Uncertain significance for Nephronophthisis. Last evaluated: 2024-11-05. Review status: criteria provided, single submitter. Criteria: Invitae Variant Classification Sherloc (09022015). Collection method: clinical testing. Allele origin: germline.
Comment: This sequence change replaces isoleucine, which is neutral and non-polar, with valine, which is neutral and non-polar, at codon 771 of the NPHP3 protein (p.Ile771Val). This variant is not present in population databases (gnomAD no frequency). This variant has not been reported in the literature in individuals affected with NPHP3-related conditions. ClinVar contains an entry for this variant (Variation ID: 1349972). An algorithm developed to predict the effect of missense changes on protein structure and function outputs the following: PolyPhen-2: "Benign". The valine amino acid residue is found in multiple mammalian species, which suggests that this missense change does not adversely affect protein function. In summary, the available evidence is currently insufficient to determine the role of this variant in disease. Therefore, it has been classified as a Variant of Uncertain Significance.

Fulgent Genetics
Classification: Uncertain significance for Renal-hepatic-pancreatic dysplasia 1; NPHP3-related Meckel-like syndrome; Nephronophthisis 3. Last evaluated: 2024-01-24. Review status: criteria provided, single submitter. Criteria: ACMG Guidelines, 2015. Collection method: clinical testing. Allele origin: germline.

PreventionGenetics, part of Exact Sciences
Classification: Uncertain significance for NPHP3-related condition. Last evaluated: 2024-05-03. Review status: no assertion criteria provided. Collection method: clinical testing. Allele origin: germline. Not counted in ClinVar's aggregate classification.
Comment: The NPHP3 c.2311A>G variant is predicted to result in the amino acid substitution p.Ile771Val. To our knowledge, this variant has not been reported in the literature or in a large population database, indicating this variant is rare. At this time, the clinical significance of this variant is uncertain due to the absence of conclusive functional and genetic evidence.

NM_153240.5(NPHP3):c.2311A>G (p.Ile771Val)

Genes: NPHP3 (nephrocystin 3; minus strand), NPHP3-ACAD11 (NPHP3-ACAD11 readthrough (NMD candidate); minus strand). Cytogenetic location: 3q22.1.
Variant type: single nucleotide variant.
Coding change: c.2311A>G on transcript NM_153240.5 (MANE Select); coding-DNA position 2311, A replaced by G.
Protein change: p.Ile771Val; replaces isoleucine 771 with valine.
Molecular consequence: missense variant. On other transcripts: non-coding transcript variant (1).
Genome position (GRCh38, 1-based): chr3:132,692,818, T>C on the plus strand (A>G on the coding strand, the complement: NPHP3 is on the minus strand). VCF-style: chr3-132692818-T-C. GRCh37 (hg19) VCF-style: chr3-132411662-T-C.
Other names: c.2311A>G (NM_153240.4); short protein forms I771V.
Identifiers: ClinVar variation 1349972 (VCV001349972.8), dbSNP rs1011685228, ClinGen allele CA83587356.